The following is an entry in ClinVar:

ClinVar aggregate classification (germline): Uncertain significance (1 of 4 stars; one submission).

Allele frequency attached by ClinVar (database versions not stated): gnomAD exomes below 0.00001.
gnomAD v4.1: 4 of 1,613,966 alleles (0.00025%); highest among the groups gnomAD compares: Non-Finnish European, 0.00025%; no homozygotes.

Submission:

Labcorp Genetics (formerly Invitae), Labcorp
Classification: Uncertain significance. Last evaluated: 2019-09-21. Review status: criteria provided, single submitter. Criteria: Invitae Variant Classification Sherloc (09022015). Collection method: clinical testing. Allele origin: germline.
Comment: In summary, the available evidence is currently insufficient to determine the role of this variant in disease. Therefore, it has been classified as a Variant of Uncertain Significance. Algorithms developed to predict the effect of missense changes on protein structure and function are either unavailable or do not agree on the potential impact of this missense change (SIFT: "Deleterious"; PolyPhen-2: "Not Available"; Align-GVGD: "Class C0"). This variant has not been reported in the literature in individuals with COL9A1-related conditions. This variant is not present in population databases (ExAC no frequency). This sequence change replaces arginine with glycine at codon 76 of the COL9A1 protein (p.Arg76Gly). The arginine residue is highly conserved and there is a moderate physicochemical difference between arginine and glycine.

NM_001851.6(COL9A1):c.226A>G (p.Arg76Gly)

Gene: COL9A1 (collagen type IX alpha 1 chain; minus strand). Cytogenetic location: 6q13.
Variant type: single nucleotide variant.
Coding change: c.226A>G on transcript NM_001851.6 (MANE Select); coding-DNA position 226, A replaced by G.
Protein change: p.Arg76Gly; replaces arginine 76 with glycine.
Molecular consequence: missense variant.
Genome position (GRCh38, 1-based): chr6:70,300,116, T>C on the plus strand (A>G on the coding strand, the complement: COL9A1 is on the minus strand). VCF-style: chr6-70300116-T-C. GRCh37 (hg19) VCF-style: chr6-71009819-T-C.
Other names: c.226A>G, p.Arg76Gly (NM_001377291.1); short protein forms R76G.
Identifiers: ClinVar variation 940997 (VCV000940997.7), dbSNP rs1774005110, ClinGen allele CA364674503.